The following is an entry in ClinVar:

ClinVar aggregate classification (germline): Uncertain significance (1 of 4 stars; one submission).

Allele frequency attached by ClinVar (database versions not stated): gnomAD exomes 0.00001.
gnomAD v4.1: 6 of 1,211,739 alleles (0.0005%); highest among the groups gnomAD compares: Non-Finnish European, 0.00067%; no homozygotes.

Submission:

Labcorp Genetics (formerly Invitae), Labcorp
Classification: Uncertain significance. Last evaluated: 2023-10-13. Review status: criteria provided, single submitter. Criteria: Invitae Variant Classification Sherloc (09022015). Collection method: clinical testing. Allele origin: germline.
Comment: This sequence change affects codon 200 of the RNF113A mRNA. It is a 'silent' change, meaning that it does not change the encoded amino acid sequence of the RNF113A protein. This variant is not present in population databases (gnomAD no frequency). This variant has not been reported in the literature in individuals affected with RNF113A-related conditions. ClinVar contains an entry for this variant (Variation ID: 2031004). In summary, the available evidence is currently insufficient to determine the role of this variant in disease. Therefore, it has been classified as a Variant of Uncertain Significance.

NM_006978.3(RNF113A):c.600C>T (p.Asp200=)

Gene: RNF113A (ring finger protein 113A; minus strand). Cytogenetic location: Xq24.
Variant type: single nucleotide variant.
Coding change: c.600C>T on transcript NM_006978.3 (MANE Select); coding-DNA position 600, C replaced by T.
Protein change: p.Asp200=; no amino-acid change (aspartic acid 200 retained).
Molecular consequence: synonymous variant.
Genome position (GRCh38, 1-based): chrX:119,871,014, G>A on the plus strand (C>T on the coding strand, the complement: RNF113A is on the minus strand). VCF-style: chrX-119871014-G-A. GRCh37 (hg19) VCF-style: chrX-119004977-G-A.
Identifiers: ClinVar variation 2031004 (VCV002031004.4), dbSNP rs2521607846, ClinGen allele CA518447038.
Genomic context (GRCh38, chrX:119,871,014, plus strand): 5'-GAGGAATTTGCAGCTGTCTCCGAAGCCGCAGAAGCCAGTCTCTTTGTAGTCCTTACAGAT[G>A]TCGGGCTGGTAATCCCAGCGCACGGTGGCACGTAGATGCTCGGGCGCTCGGATGGGGCCC-3'
Protein context (NP_008909.1, residues 190-210): RATVRWDYQP[Asp200=]ICKDYKETGF